The following is an entry in ClinVar:

NM_001372.4(DNAH9):c.10263A>G (p.Pro3421=)

Genes: DNAH9 (dynein axonemal heavy chain 9; plus strand), LOC101928350 (uncharacterized LOC101928350; minus strand). Cytogenetic location: 17p12.
Variant type: single nucleotide variant.
Coding change: c.10263A>G on transcript NM_001372.4 (MANE Select); coding-DNA position 10263, A replaced by G.
Protein change: p.Pro3421=; no amino-acid change (proline 3421 retained).
Molecular consequence: synonymous variant.
Genome position (GRCh38, 1-based): chr17:11,874,969, A>G. VCF-style: chr17-11874969-A-G. GRCh37 (hg19) VCF-style: chr17-11778286-A-G.
Other names: c.10263A>G (NM_001372.3).
Identifiers: ClinVar variation 2075653 (VCV002075653.7), dbSNP rs551947246, ClinGen allele CA8397465.
Genomic context (GRCh38, chr17:11,874,969, plus strand): 5'-CTTCTGTTCTGAGCGTGGGGTGGTGTTTCTTCTTCACCAGACTCCCATTCCAGTCACCCC[A>G]GCCCTGGATCCCCTGAGGATGCTGATGGATGATGCTGACGTGGCTGCCTGGCAGAACGAG-3'
Protein context (NP_001363.2, residues 3411-3431): SQLKTPIPVT[Pro3421=]ALDPLRMLMD

ClinVar aggregate classification (germline): Likely benign. Review status: criteria provided, multiple submitters, no conflicts (2 of 4 stars). 3 submissions from 3 submitters: Likely benign (2). 1 of the submissions does not count toward it. Last evaluated 2025-06-09.

Conditions:
DNAH9-related disorder. Also called: DNAH9-related condition.

Allele frequency attached by ClinVar (database versions not stated): ExAC 0.00002; gnomAD 0.00002; TOPMed 0.00002.
gnomAD v4.1: 37 of 1,613,978 alleles (0.0023%); highest among the groups gnomAD compares: South Asian, 0.019%; no homozygotes.

Submissions (3):

Labcorp Genetics (formerly Invitae), Labcorp
Classification: Likely benign. Last evaluated: 2025-06-09. Review status: criteria provided, single submitter. Criteria: Invitae Variant Classification Sherloc (09022015). Collection method: clinical testing. Allele origin: germline.

Blueprint Genetics
Classification: Likely benign. Last evaluated: 2024-11-11. Review status: criteria provided, single submitter. Criteria: ACMG Guidelines, 2015. Collection method: clinical testing. Allele origin: germline.

PreventionGenetics, part of Exact Sciences
Classification: Likely benign for DNAH9-related condition. Last evaluated: 2019-11-16. Review status: no assertion criteria provided. Collection method: clinical testing. Allele origin: germline. Not counted in ClinVar's aggregate classification.
Comment: This variant is classified as likely benign based on ACMG/AMP sequence variant interpretation guidelines (Richards et al. 2015 PMID: 25741868, with internal and published modifications).